The following is an entry in ClinVar:

NM_015450.3(POT1):c.458T>C (p.Leu153Ser)

Gene: POT1 (protection of telomeres 1; minus strand). Cytogenetic location: 7q31.33.
Variant type: single nucleotide variant.
Coding change: c.458T>C on transcript NM_015450.3 (MANE Select); coding-DNA position 458, T replaced by C.
Protein change: p.Leu153Ser; replaces leucine 153 with serine.
Molecular consequence: missense variant. On other transcripts: non-coding transcript variant (3).
Genome position (GRCh38, 1-based): chr7:124,863,438, A>G on the plus strand (T>C on the coding strand, the complement: POT1 is on the minus strand). VCF-style: chr7-124863438-A-G. GRCh37 (hg19) VCF-style: chr7-124503492-A-G.
Other names: c.65T>C, p.Leu22Ser (NM_001042594.2); short protein forms L22S, L153S.
Identifiers: ClinVar variation 4842630 (VCV004842630.1).
Genomic context (GRCh38, chr7:124,863,438, plus strand): 5'-TCTGCTTTGCCCAAGAGCTGACAAGTCAGGTCAAAATACTGCATTGGCTGAACATCACAC[A>G]ATTTTAGTAATGTCCAAGACGGTGACATATGAGTAGATGCCCAAACACGTAAGGCTTCTA-3'
Protein context (NP_056265.2, residues 143-163): HMSPSWTLLK[Leu153Ser]CDVQPMQYFD

ClinVar aggregate classification (germline): Uncertain significance (1 of 4 stars; one submission).

Conditions:
Hereditary cancer-predisposing syndrome. Also called: Neoplastic Syndromes, Hereditary; Tumor predisposition; Hereditary Cancer Syndrome; Hereditary neoplastic syndrome. Identifiers: Orphanet 140162, MedGen C0027672, MeSH D009386, MONDO:0015356.

Submission:

Ambry Genetics
Classification: Uncertain significance for Hereditary cancer-predisposing syndrome. Last evaluated: 2026-01-03. Review status: criteria provided, single submitter. Criteria: Ambry Variant Classification Scheme 2023. Collection method: clinical testing. Allele origin: germline.
Comment: The p.L153S variant (also known as c.458T>C), located in coding exon 4 of the POT1 gene, results from a T to C substitution at nucleotide position 458. The leucine at codon 153 is replaced by serine, an amino acid with dissimilar properties. This amino acid position is conserved. In addition, this alteration is predicted to be deleterious by in silico analysis. Based on the available evidence, the clinical significance of this variant remains unclear.